The following is an entry in ClinVar:

NM_020177.3(FEM1C):c.1078C>G (p.Leu360Val)

Gene: FEM1C (fem-1 homolog C; minus strand). Cytogenetic location: 5q22.3.
Variant type: single nucleotide variant.
Coding change: c.1078C>G on transcript NM_020177.3 (MANE Select); coding-DNA position 1078, C replaced by G.
Protein change: p.Leu360Val; replaces leucine 360 with valine.
Molecular consequence: missense variant.
Genome position (GRCh38, 1-based): chr5:115,525,084, G>C on the plus strand (C>G on the coding strand, the complement: FEM1C is on the minus strand). VCF-style: chr5-115525084-G-C. GRCh37 (hg19) VCF-style: chr5-114860781-G-C.
Other names: short protein forms L360V.
Identifiers: ClinVar variation 4292881 (VCV004292881.1).

ClinVar aggregate classification (germline): Uncertain significance (1 of 4 stars; one submission).

Conditions:
FEM1C-related intellectual disability.

Submission:

3billion
Classification: Uncertain significance for FEM1C-related intellectual disability. Last evaluated: 2025-01-18. Review status: criteria provided, single submitter. Criteria: ACMG Guidelines, 2015. Collection method: clinical testing. Allele origin: germline. Affected: yes.
Comment: The variant is not observed in the gnomAD v4.1.0 dataset. Predicted Consequence/Location: Missense variant In silico tool predictions suggest damaging effect of the variant on gene or gene product [REVEL: 0.70 (>=0.6, sensitivity 0.68 and specificity 0.92)]. Therefore, this variant is classified as VUS according to the recommendation of ACMG/AMP guideline.